The following is an entry in ClinVar:

NM_007254.4(PNKP):c.363dup (p.Thr122fs)

Gene: PNKP (polynucleotide kinase 3'-phosphatase; minus strand). Cytogenetic location: 19q13.33.
Variant type: Duplication.
Coding change: c.363dup on transcript NM_007254.4 (MANE Select); coding-DNA position 363, one base duplicated (C; older notation c.363dupC).
Protein change: p.Thr122fs; shifts the reading frame from threonine 122.
Molecular consequence: frameshift variant.
Genome position (GRCh38, 1-based): chr19:49,865,262, G duplicated on the plus strand (C on the coding strand, the reverse complement: PNKP is on the minus strand). VCF-style (leftmost placement, unchanged base first): chr19-49865261-T-TG. GRCh37 (hg19) VCF-style: chr19-50368518-T-TG.
Other names: short protein forms T122fs.
Identifiers: ClinVar variation 854038 (VCV000854038.8), dbSNP rs745505490, ClinGen allele CA9586964.

ClinVar aggregate classification (germline): Pathogenic (1 of 4 stars; one submission).

Conditions:
Developmental and epileptic encephalopathy, 12 (DEE12). Identifiers: MedGen C3150988, MONDO:0013389, OMIM 613722.

Allele frequency attached by ClinVar (database versions not stated): gnomAD exomes below 0.00001; TOPMed below 0.00001; ExAC 0.00001; gnomAD 0.00001; ESP Exome Variant Server 0.00008.

Submission:

Labcorp Genetics (formerly Invitae), Labcorp
Classification: Pathogenic for Developmental and epileptic encephalopathy, 12. Last evaluated: 2020-09-09. Review status: criteria provided, single submitter. Criteria: Invitae Variant Classification Sherloc (09022015). Collection method: clinical testing. Allele origin: germline.
Comment: Loss-of-function variants in PNKP are known to be pathogenic (PMID: 20118933, 25728773). For these reasons, this variant has been classified as Pathogenic. This variant has not been reported in the literature in individuals with PNKP-related conditions. This variant is present in population databases (rs745505490, ExAC 0.002%). This sequence change creates a premature translational stop signal (p.Thr122Hisfs*8) in the PNKP gene. It is expected to result in an absent or disrupted protein product.

Literature cited by the submitters: PubMed 20118933; PubMed 25728773.